The following is an entry in ClinVar:

ClinVar aggregate classification (germline): Pathogenic (1 of 4 stars; one submission).

Conditions:
Heterotopia, periventricular, X-linked dominant (PVNH1). Also called: PERIVENTRICULAR NODULAR HETEROTOPIA 4; HETEROTOPIA, PERIVENTRICULAR, 1; PERIVENTRICULAR NODULAR HETEROTOPIA 1; X-linked periventricular heterotopia. Identifiers: Orphanet 2149, Orphanet 82004, MedGen C1848213, MONDO:0010233, OMIM 300049.
Oto-palato-digital syndrome, type II (OPD2). Also called: Otopalatodigital Syndrome, Type II; Otopalatodigital Syndrome Type 2 (FLNA-OPD2); FACIOPALATOOSSEOUS SYNDROME; OPD II SYNDROME. Identifiers: Orphanet 669, Orphanet 90652, MedGen C1844696, MONDO:0010571, OMIM 304120.
Frontometaphyseal dysplasia (FMD1). Identifiers: Orphanet 1826, MedGen C0265293, MONDO:0015942.
Melnick-Needles syndrome (MNS). Also called: Melnick-Needles Syndrome (FLNA-MNS); MELNICK-NEEDLES OSTEODYSPLASTY; OSTEODYSPLASTY OF MELNICK AND NEEDLES. Identifiers: Orphanet 2484, MedGen C0025237, MONDO:0010650, OMIM 309350.

Submission:

Labcorp Genetics (formerly Invitae), Labcorp
Classification: Pathogenic for Oto-palato-digital syndrome, type II; Heterotopia, periventricular, X-linked dominant; Frontometaphyseal dysplasia; Melnick-Needles syndrome. Last evaluated: 2017-06-19. Review status: criteria provided, single submitter. Criteria: Invitae Variant Classification Sherloc (09022015). Collection method: clinical testing. Allele origin: germline.
Comment: This sequence change deletes 2 nucleotides from exon 36 of the FLNA mRNA (c.5964_5965delCT), causing a frameshift at codon 1989. This creates a premature translational stop signal (p.Cys1989Phefs*7) and is expected to result in an absent or disrupted protein product. For these reasons, this variant has been classified as Pathogenic. While this particular variant has not been reported in the literature, loss-of-function variants in FLNA are known to be pathogenic (PMID: 16684786, 20730588, 26471271).

Literature cited by the submitters: PubMed 16684786; PubMed 20730588; PubMed 26471271.

NM_001110556.2(FLNA):c.5988_5989del (p.Cys1997fs)

Gene: FLNA (filamin A; minus strand). Cytogenetic location: Xq28.
Variant type: Deletion.
Coding change: c.5988_5989del on transcript NM_001110556.2 (MANE Select); coding-DNA positions 5988 to 5989, 2 bases deleted (CT; older notation c.5988_5989delCT).
Protein change: p.Cys1997fs; shifts the reading frame from cysteine 1997.
Molecular consequence: frameshift variant.
Genome position (GRCh38, 1-based): chrX:154,353,329-154,353,330, AG deleted on the plus strand (CT on the coding strand, the reverse complement: FLNA is on the minus strand). VCF-style (leftmost placement, unchanged base first): chrX-154353328-CAG-C. GRCh37 (hg19) VCF-style: chrX-153581696-CAG-C.
Other names: c.5964_5965delCT (NM_001456.3); c.5964_5965del, p.Cys1989fs (NM_001456.4); short protein forms C1989fs, C1997fs.
Identifiers: ClinVar variation 405447 (VCV000405447.8), dbSNP rs1060500718, ClinGen allele CA16616648.